The following is an entry in ClinVar:

ClinVar aggregate classification (germline): Conflicting classifications of pathogenicity. Review status: criteria provided, conflicting classifications (1 of 4 stars). 4 submissions from 4 submitters: Uncertain significance (1); Likely benign (3). Last evaluated 2026-02-01.

Conditions:
Thyroid dyshormonogenesis 6 (TDH6). Also called: HYPOTHYROIDISM, CONGENITAL, DUE TO DYSHORMONOGENESIS, 6; Genetic transient congenital hypothyroidism; THYROID HORMONOGENESIS, GENETIC DEFECT IN, 6. Identifiers: Orphanet 226316, Orphanet 95716, MedGen C1846632, MONDO:0011792, OMIM 607200.

Allele frequency attached by ClinVar (database versions not stated): gnomAD exomes 0.00017 and 0.00022; ExAC 0.00029; ESP Exome Variant Server 0.00054; 1000 Genomes Project 0.00080; gnomAD 0.00080 and 0.00083; 1000 Genomes Project 30x 0.00094; TOPMed 0.00097.
gnomAD v4.1: 390 of 1,614,204 alleles (0.024%); highest among the groups gnomAD compares: Admixed American, 0.13%; no homozygotes.

Submissions (4):

Labcorp Genetics (formerly Invitae), Labcorp
Classification: Likely benign. Last evaluated: 2026-02-01. Review status: criteria provided, single submitter. Criteria: Invitae Variant Classification Sherloc (09022015). Collection method: clinical testing. Allele origin: germline.

CeGaT Center for Human Genetics Tuebingen
Classification: Likely benign. Last evaluated: 2025-08-01. Review status: criteria provided, single submitter. Criteria: CeGaT Center For Human Genetics Tuebingen Variant Classification Criteria Version 2. Collection method: clinical testing. Allele origin: germline. Affected: yes. Observed: 1 variant allele.
Comment: DUOX2: BP4, BP7

Blueprint Genetics
Classification: Likely benign. Last evaluated: 2024-07-19. Review status: criteria provided, single submitter. Criteria: ACMG Guidelines, 2015. Collection method: clinical testing. Allele origin: germline.

Illumina Laboratory Services, Illumina
Classification: Uncertain significance for Thyroid dyshormonogenesis 6. Last evaluated: 2018-01-12. Review status: criteria provided, single submitter. Criteria: ICSL Variant Classification Criteria 13 December 2019. Collection method: clinical testing. Allele origin: germline.

NM_001363711.2(DUOX2):c.4098G>A (p.Pro1366=)

Gene: DUOX2 (dual oxidase 2; minus strand). Cytogenetic location: 15q21.1.
Variant type: single nucleotide variant.
Coding change: c.4098G>A on transcript NM_001363711.2 (MANE Select); coding-DNA position 4098, G replaced by A.
Protein change: p.Pro1366=; no amino-acid change (proline 1366 retained).
Molecular consequence: synonymous variant.
Genome position (GRCh38, 1-based): chr15:45,095,578, C>T on the plus strand (G>A on the coding strand, the complement: DUOX2 is on the minus strand). VCF-style: chr15-45095578-C-T. GRCh37 (hg19) VCF-style: chr15-45387776-C-T.
Other names: c.4098G>A, p.Pro1366= (NM_014080.5).
Identifiers: ClinVar variation 316140 (VCV000316140.24), dbSNP rs150609056, ClinGen allele CA7537620.